The following is an entry in ClinVar:

NM_000548.5(TSC2):c.1853T>C (p.Leu618Pro)

Gene: TSC2 (TSC complex subunit 2; plus strand). Cytogenetic location: 16p13.3.
Variant type: single nucleotide variant.
Coding change: c.1853T>C on transcript NM_000548.5 (MANE Select); coding-DNA position 1853, T replaced by C.
Protein change: p.Leu618Pro; replaces leucine 618 with proline.
Molecular consequence: missense variant. On other transcripts: non-coding transcript variant (5).
Genome position (GRCh38, 1-based): chr16:2,071,523, T>C. VCF-style: chr16-2071523-T-C. GRCh37 (hg19) VCF-style: chr16-2121524-T-C.
Other names: c.1853T>C, p.Leu618Pro (NM_001077183.3, NM_001114382.3, NM_001363528.2 and 6 more transcripts); c.1742T>C, p.Leu581Pro (NM_001318827.2, NM_001406670.1, NM_001406678.1); c.1706T>C, p.Leu569Pro (NM_001318829.2, NM_001406675.1, NM_001406676.1 and 1 more transcripts); c.1253T>C, p.Leu418Pro (NM_001318831.2, NM_001406680.1, NM_001406682.1 and 6 more transcripts); c.1886T>C, p.Leu629Pro (NM_001318832.2); c.1943T>C, p.Leu648Pro (NM_001406667.1, NM_001406668.1); c.1841T>C, p.Leu614Pro (NM_001406671.1, NM_001406673.1); c.1796T>C, p.Leu599Pro (NM_001406677.1); and 3 more; short protein forms L170P, L418P, L464P, L569P, L581P, L599P, L614P, L618P.
Identifiers: ClinVar variation 4682152 (VCV004682152.1).

ClinVar aggregate classification (germline): Pathogenic (1 of 4 stars; one submission).

Submission:

Athena Diagnostics
Classification: Pathogenic. Last evaluated: 2025-09-02. Review status: criteria provided, single submitter. Criteria: Athena Diagnostics Criteria. Collection method: clinical testing. Allele origin: unknown.
Comment: This variant has not been reported in large, multi-ethnic general populations. This variant appears to occur de novo in multiple individuals with clinical features associated with this gene. Assessment of experimental evidence suggests this variant results in abnormal protein function. (PMID: 32555378)

Literature cited by the submitters: PubMed 32555378; PubMed 38806662; PubMed 24631838.